The following is an entry in ClinVar:

NM_000152.5(GAA):c.1075G>C (p.Gly359Arg)

Gene: GAA (alpha glucosidase; plus strand). Cytogenetic location: 17q25.3.
Variant type: single nucleotide variant.
Coding change: c.1075G>C on transcript NM_000152.5 (MANE Select); coding-DNA position 1075, G replaced by C.
Protein change: p.Gly359Arg; replaces glycine 359 with arginine.
Molecular consequence: missense variant.
Genome position (GRCh38, 1-based): chr17:80,108,409, G>C. VCF-style: chr17-80108409-G-C. GRCh37 (hg19) VCF-style: chr17-78082208-G-C.
Other names: c.1075G>C, p.Gly359Arg (NM_001079803.3, NM_001079804.3, NM_001406741.1 and 1 more transcripts); short protein forms G359R.
Identifiers: ClinVar variation 4876507 (VCV004876507.1).

ClinVar aggregate classification (germline): Pathogenic (1 of 4 stars; one submission).

Conditions:
Glycogen storage disease, type II (IOPD). Also called: Pompe Disease; CARDIOMEGALIA GLYCOGENICA DIFFUSA; GLYCOGENOSIS, GENERALIZED, CARDIAC FORM; GSD II; POMPE DISEASE, INFANTILE-ONSET; GLYCOGEN STORAGE DISEASE II, INFANTILE-ONSET. Identifiers: Orphanet 365, MedGen C0017921, MONDO:0009290, OMIM 232300.

Submission:

Genomenon, Inc
Classification: Pathogenic for Glycogen storage disease, type II. Last evaluated: 2026-07-01. Review status: criteria provided, single submitter. Criteria: Genomenon Sequence Variant Interpretation Standards - Updated. Collection method: curation. Allele origin: germline. Affected: yes.
Comment: GAA p.Gly359Arg (c.1075G>C) is a missense variant that changes the amino acid at codon 359 from Glycine to Arginine. This variant has been observed in at least one proband with a GAA-related disorder (PMID:32222271). At least one splicing study has demonstrated that this variant results in aberrant splicing (PMID:32222271). It is absent or not present at a significant frequency in gnomAD. In conclusion, we classify GAA p.Gly359Arg (c.1075G>C) as a pathogenic variant.

Literature cited by the submitters: PubMed 32222271.